The following is an entry in ClinVar:

NM_002524.5(NRAS):c.504G>C (p.Met168Ile)

Gene: NRAS (NRAS proto-oncogene, GTPase; minus strand). Cytogenetic location: 1p13.2.
Variant type: single nucleotide variant.
Coding change: c.504G>C on transcript NM_002524.5 (MANE Select); coding-DNA position 504, G replaced by C.
Protein change: p.Met168Ile; replaces methionine 168 with isoleucine.
Molecular consequence: missense variant.
Genome position (GRCh38, 1-based): chr1:114,708,601, C>G on the plus strand (G>C on the coding strand, the complement: NRAS is on the minus strand). VCF-style: chr1-114708601-C-G. GRCh37 (hg19) VCF-style: chr1-115251222-C-G.
Other names: c.504G>C (LRG_92t1); short protein forms M168I.
Identifiers: ClinVar variation 134991 (VCV000134991.5), dbSNP rs367918552, ClinGen allele CA161312.
Genomic context (GRCh38, chr1:114,708,601, plus strand): 5'-CACCACACATGGCAATCCCATACAACCCTGAGTCCCATCATCACTGCTGTTGAGTTTTTT[C>G]ATTCGGTACTGGCGTATTTCTCTTACCAGTGTGTAAAAAGCATCTTCAACACCCTATAAA-3'
Protein context (NP_002515.1, residues 158-178): TLVREIRQYR[Met168Ile]KKLNSSDDGT

ClinVar aggregate classification (germline): Uncertain significance. Review status: criteria provided, multiple submitters, no conflicts (2 of 4 stars). 4 submissions from 4 submitters: Uncertain significance (3). 1 of the submissions does not count toward it. Last evaluated 2026-10-01.

Conditions:
RASopathy. Also called: Noonan spectrum disorder; rasopathies. Identifiers: Orphanet 536391, MedGen C5555857, MONDO:0021060.
Noonan syndrome 6 (NS6). Also called: NRAS-Related Noonan Syndrome. Identifiers: Orphanet 648, MedGen C2750732, MONDO:0013186, OMIM 613224.

Allele frequency attached by ClinVar (database versions not stated): TOPMed below 0.00001; gnomAD 0.00001; ExAC 0.00002; ESP Exome Variant Server 0.00008.

Submissions (4):

St. Jude Molecular Pathology, St. Jude Children's Research Hospital
Classification: Uncertain significance for Noonan syndrome 6. Last evaluated: 2026-10-01. Review status: criteria provided, single submitter. Criteria: St. Jude Assertion Criteria 2020. Collection method: clinical testing. Allele origin: germline.
Comment: The NRAS c.504G>C p.(Met168Ile) missense change has an allele frequency of 0.006% in gnomAD v2.1.1. The in silico tool REVEL predicts a benign effect on protein function, but to our knowledge this prediction has not been confirmed by functional studies. To our knowledge, this variant has not been reported in individuals with Noonan syndrome. In summary, the evidence currently available is insufficient to determine the clinical significance of this variant. It has therefore been classified as of uncertain significance.

Labcorp Genetics (formerly Invitae), Labcorp
Classification: Uncertain significance for RASopathy. Last evaluated: 2025-06-10. Review status: criteria provided, single submitter. Criteria: Invitae Variant Classification Sherloc (09022015). Collection method: clinical testing. Allele origin: germline.
Comment: This sequence change replaces methionine, which is neutral and non-polar, with isoleucine, which is neutral and non-polar, at codon 168 of the NRAS protein (p.Met168Ile). This variant is present in population databases (rs367918552, gnomAD 0.007%). This variant has not been reported in the literature in individuals affected with NRAS-related conditions. ClinVar contains an entry for this variant (Variation ID: 134991). Invitae Evidence Modeling of protein sequence and biophysical properties (such as structural, functional, and spatial information, amino acid conservation, physicochemical variation, residue mobility, and thermodynamic stability) indicates that this missense variant is not expected to disrupt NRAS protein function with a negative predictive value of 95%. In summary, the available evidence is currently insufficient to determine the role of this variant in disease. Therefore, it has been classified as a Variant of Uncertain Significance.

GeneDx
Classification: Uncertain significance. Last evaluated: 2017-08-30. Review status: criteria provided, single submitter. Criteria: GeneDx Variant Classification (06012015). Collection method: clinical testing. Allele origin: germline. Affected: yes.
Comment: The M168I variant has not been published as a pathogenic variant, nor has it been reported as a benign variant to our knowledge. The M168I variant is not observed at a significant frequency in large population cohorts (Lek et al., 2016). The M168I variant is a conservative amino acid substitution, which is not likely to impact secondary protein structure as these residues share similar properties. This substitution occurs at a position where amino acids with similar properties to Methionine are tolerated across species. In silico analysis is inconsistent in its predictions as to whether or not the variant is damaging to the protein structure/function. The NRAS gene has a very low rate of benign missense variants. In summary, based on the currently available information, it is unclear whether this variant is a pathogenic variant or a rare benign variant.

ITMI
No classification provided. Condition: AllHighlyPenetrant. Last evaluated: 2013-09-19. Review status: no classification provided. Collection method: reference population. Allele origin: germline. Not counted in ClinVar's aggregate classification.
Comment: Please see associated publication for description of ethnicities

Literature cited by the submitters: PubMed 24728327 (cited by ITMI).